The following is an entry in ClinVar:

ClinVar aggregate classification (germline): Pathogenic (1 of 4 stars; one submission).

Conditions:
Osteogenesis imperfecta type I (OI1). Also called: Lobstein's Disease; OI, TYPE I; OSTEOGENESIS IMPERFECTA TARDA; OSTEOGENESIS IMPERFECTA WITH BLUE SCLERAE; Osteogenesis imperfecta type 1; Lobstein disease. Identifiers: Orphanet 216796, Orphanet 666, MedGen C0023931, MONDO:0008146, OMIM 166200. Disease mechanism: loss of function.

Submission:

Labcorp Genetics (formerly Invitae), Labcorp
Classification: Pathogenic for Osteogenesis imperfecta type I. Last evaluated: 2019-03-31. Review status: criteria provided, single submitter. Criteria: Invitae Variant Classification Sherloc (09022015). Collection method: clinical testing. Allele origin: germline.
Comment: For these reasons, this variant has been classified as Pathogenic. Loss-of-function variants in COL1A1 are known to be pathogenic (PMID: 7942841, 9295084, 9443882). This variant has not been reported in the literature in individuals with COL1A1-related conditions. This variant is not present in population databases (ExAC no frequency). This sequence change creates a premature translational stop signal (p.Leu963Profs*18) in the COL1A1 gene. It is expected to result in an absent or disrupted protein product.

Literature cited by the submitters: PubMed 7942841; PubMed 9295084; PubMed 9443882.

NM_000088.4(COL1A1):c.2888_2889del (p.Leu963fs)

Gene: COL1A1 (collagen type I alpha 1 chain; minus strand). Cytogenetic location: 17q21.33.
Variant type: Deletion.
Coding change: c.2888_2889del on transcript NM_000088.4 (MANE Select); coding-DNA positions 2888 to 2889, 2 bases deleted (TG; older notation c.2888_2889delTG).
Protein change: p.Leu963fs; shifts the reading frame from leucine 963.
Molecular consequence: frameshift variant.
Genome position (GRCh38, 1-based): chr17:50,189,216-50,189,217, CA deleted on the plus strand (TG on the coding strand, the reverse complement: COL1A1 is on the minus strand). VCF-style (leftmost placement, unchanged base first): chr17-50189215-GCA-G. GRCh37 (hg19) VCF-style: chr17-48266576-GCA-G.
Other names: short protein forms L963fs.
Identifiers: ClinVar variation 835092 (VCV000835092.8), dbSNP rs1906847588, ClinGen allele CA916081130.
Genomic context (GRCh38, chr17:50,189,215, plus strand): 5'-GGGGGGCACTTACAGAGGGGCCAGGAAGACCAGGGAAGCCTCTCTCTCCTCTCTGACCAG[GCA>G]GGCCGACCACACCACGCTGTCCAGCAATACCTTGAGGCCCGGGAGTACCAGGAGCACCCT-3'